The following is an entry in ClinVar:

NM_005475.3(SH2B3):c.914G>T (p.Cys305Phe)

Gene: SH2B3 (SH2B adaptor protein 3; plus strand). Cytogenetic location: 12q24.12.
Variant type: single nucleotide variant.
Coding change: c.914G>T on transcript NM_005475.3 (MANE Select); coding-DNA position 914, G replaced by T.
Protein change: p.Cys305Phe; replaces cysteine 305 with phenylalanine.
Molecular consequence: missense variant.
Genome position (GRCh38, 1-based): chr12:111,447,021, G>T. VCF-style: chr12-111447021-G-T. GRCh37 (hg19) VCF-style: chr12-111884825-G-T.
Other names: c.308G>T, p.Cys103Phe (NM_001291424.1); short protein forms C103F, C305F.
Identifiers: ClinVar variation 4163907 (VCV004163907.1).

ClinVar aggregate classification (germline): Uncertain significance (1 of 4 stars; one submission).

Conditions:
Inborn genetic diseases. Identifiers: MedGen C0950123, MeSH D030342.

Submission:

Ambry Genetics
Classification: Uncertain significance for Inborn genetic diseases. Last evaluated: 2025-06-24. Review status: criteria provided, single submitter. Criteria: Ambry Variant Classification Scheme 2023. Collection method: clinical testing. Allele origin: germline.
Comment: The p.C305F variant (also known as c.914G>T), located in coding exon 3 of the SH2B3 gene, results from a G to T substitution at nucleotide position 914. The cysteine at codon 305 is replaced by phenylalanine, an amino acid with highly dissimilar properties. This amino acid position is conserved. In addition, this alteration is predicted to be tolerated by in silico analysis. Based on the available evidence, the clinical significance of this variant remains unclear.